The following is an entry in ClinVar:

ClinVar aggregate classification (germline): Likely pathogenic. Review status: criteria provided, multiple submitters, no conflicts (2 of 4 stars). 2 submissions from 2 submitters: Likely pathogenic (2). Last evaluated 2024-03-01.

Conditions:
Primary dilated cardiomyopathy (DCM). Also called: Dilated Cardiomyopathy. Identifiers: Orphanet 217604, MedGen C0007193, MeSH D002311, MONDO:0005021, HP:0001644. Inheritance: Various modes of inheritance.

Allele frequency attached by ClinVar (database versions not stated): gnomAD exomes below 0.00001.
gnomAD v4.1: 1 of 1,550,144 alleles (0.000065%); highest among the groups gnomAD compares: Non-Finnish European, 0.000087%; no homozygotes.

Submissions (2):

Lildballe Lab, Aarhus University Hospital
Classification: Likely pathogenic for dilated cardiomyopathy. Last evaluated: 2024-03-01. Review status: criteria provided, single submitter. Criteria: ACMG Guidelines, 2015. Collection method: research. Allele origin: germline. Affected: yes.
Comment: PVS1(vs), PM2(sup)

Laboratory for Molecular Medicine, Mass General Brigham Personalized Medicine
Classification: Likely pathogenic for Primary dilated cardiomyopathy. Last evaluated: 2022-11-03. Review status: criteria provided, single submitter. Criteria: ACMG Guidelines, 2015. Collection method: clinical testing. Allele origin: germline.
Comment: The p.Gln21699X variant in TTN has been previously reported in at least one individual with DCM (Haas 2015 PubMed: 25163546) and was absent from large population studies. This nonsense variant leads to a premature termination codon at position 21699, which is predicted to lead to a truncated or absent protein. Nonsense and other truncating variants in TTN are strongly associated with DCM if they impact the exons encoding for the A-band (Herman 2012, Pugh 2014) and/or are located in an exon that is highly expressed in the heart (Roberts 2015). The p.Gln21699X variant is located in a highly expressed exon in the A-band. In summary, although additional studies are required to fully establish its clinical significance, this variant meets criteria to be classified as likely pathogenic for autosomal dominant DCM. ACMG/AMP Criteria applied: PVS1, PM2_Supporting.

Literature cited by the submitters: PubMed 25741936 (cited by Lildballe Lab, Aarhus University Hospital); PubMed 39481677 (cited by Lildballe Lab, Aarhus University Hospital).

NM_001267550.2(TTN):c.72799C>T (p.Gln24267Ter)

Genes: TTN (titin; minus strand), TTN-AS1 (TTN antisense RNA 1; plus strand). Cytogenetic location: 2q31.2.
Variant type: single nucleotide variant.
Coding change: c.72799C>T on transcript NM_001267550.2 (MANE Select); coding-DNA position 72799, C replaced by T.
Protein change: p.Gln24267Ter; replaces glutamine 24267 with a stop codon.
Molecular consequence: nonsense.
Genome position (GRCh38, 1-based): chr2:178,573,333, G>A on the plus strand (C>T on the coding strand, the complement: TTN is on the minus strand). VCF-style: chr2-178573333-G-A. GRCh37 (hg19) VCF-style: chr2-179438060-G-A.
Other names: c.67876C>T, p.Gln22626Ter (NM_001256850.1); c.45604C>T, p.Gln15202Ter (NM_003319.4); c.65095C>T, p.Gln21699Ter (NM_133378.4); c.45979C>T, p.Gln15327Ter (NM_133432.3); c.46180C>T, p.Gln15394Ter (NM_133437.4); short protein forms Q15202*, Q15327*, Q15394*, Q21699*, Q22626*, Q24267*.
Identifiers: ClinVar variation 3075913 (VCV003075913.2), dbSNP rs2468580364, ClinGen allele CA349645484.